The following is an entry in ClinVar:

ClinVar aggregate classification (germline): Likely benign. Review status: criteria provided, multiple submitters, no conflicts (2 of 4 stars). 2 submissions from 2 submitters: Likely benign (2). Last evaluated 2024-03-16.

Allele frequency attached by ClinVar (database versions not stated): gnomAD exomes 0.00001; TOPMed 0.00003; ExAC 0.00004; gnomAD 0.00006; ESP Exome Variant Server 0.00008.
gnomAD v4.1: 29 of 1,601,528 alleles (0.0018%); highest among the groups gnomAD compares: Middle Eastern, 0.016%; no homozygotes.

Submissions (2):

Labcorp Genetics (formerly Invitae), Labcorp
Classification: Likely benign. Last evaluated: 2024-03-16. Review status: criteria provided, single submitter. Criteria: Invitae Variant Classification Sherloc (09022015). Collection method: clinical testing. Allele origin: germline.

CeGaT Center for Human Genetics Tuebingen
Classification: Likely benign. Last evaluated: 2022-11-01. Review status: criteria provided, single submitter. Criteria: CeGaT Center For Human Genetics Tuebingen Variant Classification Criteria Version 2. Collection method: clinical testing. Allele origin: germline. Affected: yes. Observed: 1 variant allele.
Comment: MYH14: BP4, BP7

NM_001145809.2(MYH14):c.1887C>T (p.Asn629=)

Gene: MYH14 (myosin heavy chain 14; plus strand). Cytogenetic location: 19q13.33.
Variant type: single nucleotide variant.
Coding change: c.1887C>T on transcript NM_001145809.2 (MANE Select); coding-DNA position 1887, C replaced by T.
Protein change: p.Asn629=; no amino-acid change (asparagine 629 retained).
Molecular consequence: synonymous variant.
Genome position (GRCh38, 1-based): chr19:50,252,695, C>T. VCF-style: chr19-50252695-C-T. GRCh37 (hg19) VCF-style: chr19-50755952-C-T.
Other names: c.1887C>T, p.Asn629= (NM_001077186.2); c.1863C>T, p.Asn621= (NM_024729.4).
Identifiers: ClinVar variation 1879451 (VCV001879451.34), dbSNP rs374682911, ClinGen allele CA9592743.